The following is an entry in ClinVar:

NM_001164508.2(NEB):c.*212T>C

Genes: NEB (nebulin; minus strand), RIF1 (replication timing regulatory factor 1; plus strand). Cytogenetic location: 2q23.3.
Variant type: single nucleotide variant.
Coding change: c.*212T>C on transcript NM_001164508.2 (MANE Select); 212 bases downstream of the stop codon, T replaced by C.
Molecular consequence: 3 prime UTR variant.
Genome position (GRCh38, 1-based): chr2:151,485,548, A>G on the plus strand (T>C on the coding strand, the complement: NEB is on the minus strand). VCF-style: chr2-151485548-A-G. GRCh37 (hg19) VCF-style: chr2-152342062-A-G.
Other names: c.*212T>C (NM_001164507.2, NM_001271208.2, NM_004543.5).
Identifiers: ClinVar variation 892683 (VCV000892683.28), dbSNP rs1061317, ClinGen allele CA15190249.
Genomic context (GRCh38, chr2:151,485,548, plus strand): 5'-AAAATCCCTGTTTTAGAAAAGAAATAATGTTAAAACATGTTTATAATGGAGAAAGACTCT[A>G]GGCACAGAAATAATATTGCAGAAGCTTTTAAAGTGTCTGTTCTGCAACTTATTTTAAAAC-3'

ClinVar aggregate classification (germline): Conflicting classifications of pathogenicity. Review status: criteria provided, conflicting classifications (1 of 4 stars). 2 submissions from 2 submitters: Uncertain significance (1); Benign (1). Last evaluated 2023-03-01.

Conditions:
Nemaline myopathy 2 (NEM2). Also called: Nemaline myopathy 2, autosomal recessive. Identifiers: MedGen C1850569, MONDO:0009725, OMIM 256030.

Allele frequency attached by ClinVar (database versions not stated): 1000 Genomes Project 30x 0.00172; 1000 Genomes Project 0.00180; TOPMed 0.00510; gnomAD 0.00774 and 0.00811; gnomAD exomes 0.00942.
gnomAD v4.1: 3,615 of 416,600 alleles (0.87%); highest among the groups gnomAD compares: Non-Finnish European, 0.98%; 33 homozygotes.

Submissions (2):

CeGaT Center for Human Genetics Tuebingen
Classification: Benign. Last evaluated: 2023-03-01. Review status: criteria provided, single submitter. Criteria: CeGaT Center For Human Genetics Tuebingen Variant Classification Criteria Version 2. Collection method: clinical testing. Allele origin: germline. Affected: yes. Observed: 4 variant alleles.
Comment: NEB: BS1, BS2

Illumina Laboratory Services, Illumina
Classification: Uncertain significance for Nemaline myopathy 2. Last evaluated: 2018-01-13. Review status: criteria provided, single submitter. Criteria: ICSL Variant Classification Criteria 13 December 2019. Collection method: clinical testing. Allele origin: germline.